The following is an entry in ClinVar:

NC_000019.10:g.(?_47834444)_(47836394_?)del

Gene: CRX (cone-rod homeobox; plus strand). Cytogenetic location: 19q13.33.
Variant type: Deletion.
Identifiers: ClinVar variation 831542 (VCV000831542.6).

ClinVar aggregate classification (germline): Uncertain significance (1 of 4 stars; one submission).

Conditions:
Leber congenital amaurosis 7 (LCA7). Identifiers: Orphanet 65, MedGen C3151192, MONDO:0013449, OMIM 613829.
Cone-rod dystrophy 2 (CORD2). Also called: CONE-ROD RETINAL DYSTROPHY; Cone-rod retinal dystrophy 2. Identifiers: Orphanet 1872, MedGen C3489532, MONDO:0007362, OMIM 120970.

Submission:

Labcorp Genetics (formerly Invitae), Labcorp
Classification: Uncertain significance for Cone-rod dystrophy 2; Leber congenital amaurosis 7. Last evaluated: 2020-01-30. Review status: criteria provided, single submitter. Criteria: Invitae Variant Classification Sherloc (09022015). Collection method: clinical testing. Allele origin: germline.
Comment: In summary, the available evidence is currently insufficient to determine the role of this variant in disease. Therefore, it has been classified as a Variant of Uncertain Significance. The current clinical and genetic evidence is not sufficient to establish whether loss-of-function variants in CRX cause disease. This variant has not been reported in the literature in individuals with CRX-related conditions. This variant is a gross deletion of the genomic region encompassing exons 2-3 of the CRX gene, which includes the initiator codon. The 5' end of this event is unknown as it extends beyond the assayed region for this gene and therefore may encompass additional genes. The 3' boundary is likely confined to intron 3 of the CRX gene. This is expected to result in an absent or disrupted protein product.